The following is an entry in ClinVar:

ClinVar aggregate classification (germline): Uncertain significance. Review status: criteria provided, multiple submitters, no conflicts (2 of 4 stars). 2 submissions from 2 submitters: Uncertain significance (2). Last evaluated 2026-04-02.

Conditions:
Inborn genetic diseases. Identifiers: MedGen C0950123, MeSH D030342.

gnomAD v4.1: 78 of 1,613,938 alleles (0.0048%); highest among the groups gnomAD compares: Admixed American, 0.015%; no homozygotes.

Submissions (2):

GeneDx
Classification: Uncertain significance. Last evaluated: 2026-04-02. Review status: criteria provided, single submitter. Criteria: GeneDx Variant Classification Process June 2021. Collection method: clinical testing. Allele origin: germline.
Comment: In silico analysis suggests that this missense variant does not alter protein structure/function; Has not been previously published as pathogenic or benign to our knowledge

Ambry Genetics
Classification: Uncertain significance for Inborn genetic diseases. Last evaluated: 2024-11-28. Review status: criteria provided, single submitter. Criteria: Ambry Variant Classification Scheme 2023. Collection method: clinical testing. Allele origin: germline.

NM_181458.4(PAX3):c.1024A>C (p.Ser342Arg)

Genes: PAX3 (paired box 3; minus strand), LOC126806529 (CDK7 strongly-dependent group 2 enhancer GRCh37_chr2:223084735-223085934; plus strand). Cytogenetic location: 2q36.1.
Variant type: single nucleotide variant.
Coding change: c.1024A>C on transcript NM_181458.4 (MANE Select); coding-DNA position 1024, A replaced by C.
Protein change: p.Ser342Arg; replaces serine 342 with arginine.
Molecular consequence: missense variant.
Genome position (GRCh38, 1-based): chr2:222,220,289, T>G on the plus strand (A>C on the coding strand, the complement: PAX3 is on the minus strand). VCF-style: chr2-222220289-T-G. GRCh37 (hg19) VCF-style: chr2-223085008-T-G.
Other names: c.1021A>C, p.Ser341Arg (NM_001127366.3); c.1024A>C, p.Ser342Arg (NM_181457.4, NM_181459.4, NM_181460.4 and 1 more transcripts); short protein forms S341R, S342R.
Identifiers: ClinVar variation 3342732 (VCV003342732.3).